The following is an entry in ClinVar:

ClinVar aggregate classification (germline): Uncertain significance (1 of 4 stars; one submission).

Conditions:
Familial thoracic aortic aneurysm and aortic dissection (TAAD). Also called: Thoracic aortic aneurysms and dissections. Identifiers: Orphanet 91387, MedGen C4707243, MONDO:0019625.

gnomAD v4.1: 1 of 1,613,880 alleles (0.000062%); no homozygotes.

Submission:

Ambry Genetics
Classification: Uncertain significance for Familial thoracic aortic aneurysm and aortic dissection. Last evaluated: 2026-02-13. Review status: criteria provided, single submitter. Criteria: Ambry Variant Classification Scheme 2023. Collection method: clinical testing. Allele origin: germline.
Comment: The p.P385S variant (also known as c.1153C>T), located in coding exon 17 of the COL3A1 gene, results from a C to T substitution at nucleotide position 1153. The proline at codon 385 is replaced by serine, an amino acid with similar properties. This amino acid position is conserved. In addition, the in silico prediction for this alteration is inconclusive. Based on the available evidence, the clinical significance of this variant remains unclear.

NM_000090.4(COL3A1):c.1153C>T (p.Pro385Ser)

Gene: COL3A1 (collagen type III alpha 1 chain; plus strand). Cytogenetic location: 2q32.2.
Variant type: single nucleotide variant.
Coding change: c.1153C>T on transcript NM_000090.4 (MANE Select); coding-DNA position 1153, C replaced by T.
Protein change: p.Pro385Ser; replaces proline 385 with serine.
Molecular consequence: missense variant.
Genome position (GRCh38, 1-based): chr2:188,994,041, C>T. VCF-style: chr2-188994041-C-T. GRCh37 (hg19) VCF-style: chr2-189858767-C-T.
Other names: short protein forms P385S.
Identifiers: ClinVar variation 4824879 (VCV004824879.1).